The following is an entry in ClinVar:

ClinVar aggregate classification (germline): Uncertain significance (1 of 4 stars; one submission).

Conditions:
Developmental and epileptic encephalopathy, 71. Also called: Neonatal epileptic encephalopathy due to glutaminase deficiency; GLUTAMINASE DEFICIENCY WITH NEONATAL EPILEPTIC ENCEPHALOPATHY; EPILEPTIC ENCEPHALOPATHY, EARLY INFANTILE, 71. Identifiers: Orphanet 557064, MedGen C5193030, MONDO:0032678, OMIM 618328.

Allele frequency attached by ClinVar (database versions not stated): gnomAD 0.00001; gnomAD exomes 0.00001; TOPMed 0.00001.
gnomAD v4.1: 5 of 1,559,456 alleles (0.00032%); highest among the groups gnomAD compares: East Asian, 0.0024%; no homozygotes.

Submission:

Victorian Clinical Genetics Services, Murdoch Childrens Research Institute
Classification: Uncertain significance for Developmental and epileptic encephalopathy, 71. Last evaluated: 2022-09-02. Review status: criteria provided, single submitter. Criteria: ACMG Guidelines, 2015. Collection method: clinical testing. Allele origin: germline. Inheritance: Autosomal recessive inheritance. Affected: yes.
Comment: Based on the classification scheme VCGS_Germline_v1.3.4, this variant is classified as VUS-3B. Following criteria are met: 0102 - Loss of function is a known mechanism of disease in this gene and is associated with global developmental delay, progressive ataxia, and elevated glutamine (MIM#618412) and developmental and epileptic encephalopathy 71 (MIM#618328). The mechanism of infantile cataract, skin abnormalities, glutamate excess, and impaired intellectual development (MIM#618339) is unclear. (I) 0106 - This gene is associated with autosomal recessive disease. However, there is emerging evidence of an association to dominant disease (OMIM). (I) 0200 - Variant is predicted to result in a missense amino acid change from arginine to tryptophan. (I) 0252 - This variant is homozygous. (I) 0304 - Variant is present in gnomAD (v3) <0.01 for a recessive condition (1 heterozygote, 0 homozygotes). (SP) 0503 - Missense variant consistently predicted to be tolerated by multiple in silico tools or not conserved in placental mammals with a minor amino acid change. (SB) 0604 - Variant is not located in an established domain, motif, hotspot or informative constraint region. (I) 0705 - No comparable missense variants have previous evidence for pathogenicity. (I) 0807 - This variant has no previous evidence of pathogenicity. (I) 0905 - No published segregation evidence has been identified for this variant. (I) 1007 - No published functional evidence has been identified for this variant. (I) 1208 - Inheritance information for this variant is not currently available in this individual. (I) Legend: (SP) - Supporting pathogenic, (I) - Information, (SB) - Supporting benign

NM_014905.5(GLS):c.7C>T (p.Arg3Trp)

Gene: GLS (glutaminase; plus strand). Cytogenetic location: 2q32.2.
Variant type: single nucleotide variant.
Coding change: c.7C>T on transcript NM_014905.5 (MANE Select); coding-DNA position 7, C replaced by T.
Protein change: p.Arg3Trp; replaces arginine 3 with tryptophan.
Molecular consequence: missense variant.
Genome position (GRCh38, 1-based): chr2:190,881,091, C>T. VCF-style: chr2-190881091-C-T. GRCh37 (hg19) VCF-style: chr2-191745817-C-T.
Other names: c.7C>T, p.Arg3Trp (NM_001256310.2); short protein forms R3W.
Identifiers: ClinVar variation 1806017 (VCV001806017.1), dbSNP rs867993124, ClinGen allele CA62669717.